The following is an entry in ClinVar:

ClinVar aggregate classification (germline): Likely pathogenic (1 of 4 stars; one submission).

Submission:

Dasa
Classification: Likely pathogenic. Last evaluated: 2025-03-12. Review status: criteria provided, single submitter. Criteria: DASA Assertion Criteria. Collection method: clinical testing. Allele origin: germline.
Comment: NM_004646.4(NPHS1):c.1628-1G>A affects a canonical splice site and is predicted to disrupt normal RNA splicing. Loss of function is an established disease mechanism for NPHS1-associated disorders. Also, this variant is absent from population databases. Based on the currently available evidence, this variant is classified as likely pathogenic.

NM_004646.4(NPHS1):c.1628-1G>A

Gene: NPHS1 (NPHS1 adhesion molecule, nephrin; minus strand). Cytogenetic location: 19q13.12.
Variant type: single nucleotide variant.
Coding change: c.1628-1G>A on transcript NM_004646.4 (MANE Select); the canonical splice acceptor site of the intron before coding-DNA position 1628, G replaced by A.
Molecular consequence: splice acceptor variant.
Genome position (GRCh38, 1-based): chr19:35,845,799, C>T on the plus strand (G>A on the coding strand, the complement: NPHS1 is on the minus strand). VCF-style: chr19-35845799-C-T. GRCh37 (hg19) VCF-style: chr19-36336701-C-T.
Identifiers: ClinVar variation 4886413 (VCV004886413.2).